The following is an entry in ClinVar:

ClinVar aggregate classification (germline): Uncertain significance. Review status: criteria provided, multiple submitters, no conflicts (2 of 4 stars). 2 submissions from 2 submitters: Uncertain significance (2). Last evaluated 2024-06-30.

Conditions:
Inborn genetic diseases. Identifiers: MedGen C0950123, MeSH D030342.

Allele frequency attached by ClinVar (database versions not stated): TOPMed 0.00008; gnomAD 0.00011 and 0.00012.
gnomAD v4.1: 101 of 1,613,886 alleles (0.0063%); highest among the groups gnomAD compares: Non-Finnish European, 0.0071%; no homozygotes.

Submissions (2):

Ambry Genetics
Classification: Uncertain significance for Inborn genetic diseases. Last evaluated: 2024-06-30. Review status: criteria provided, single submitter. Criteria: Ambry Variant Classification Scheme 2023. Collection method: clinical testing. Allele origin: germline.

Labcorp Genetics (formerly Invitae), Labcorp
Classification: Uncertain significance. Last evaluated: 2022-07-19. Review status: criteria provided, single submitter. Criteria: Invitae Variant Classification Sherloc (09022015). Collection method: clinical testing. Allele origin: germline.
Comment: ClinVar contains an entry for this variant (Variation ID: 1407227). This variant has not been reported in the literature in individuals affected with SLC26A5-related conditions. This variant is present in population databases (rs757765693, gnomAD 0.007%). This sequence change replaces isoleucine, which is neutral and non-polar, with leucine, which is neutral and non-polar, at codon 384 of the SLC26A5 protein (p.Ile384Leu). Advanced modeling of protein sequence and biophysical properties (such as structural, functional, and spatial information, amino acid conservation, physicochemical variation, residue mobility, and thermodynamic stability) performed at Invitae indicates that this missense variant is not expected to disrupt SLC26A5 protein function. In summary, the available evidence is currently insufficient to determine the role of this variant in disease. Therefore, it has been classified as a Variant of Uncertain Significance.

NM_198999.3(SLC26A5):c.1150A>C (p.Ile384Leu)

Gene: SLC26A5 (solute carrier family 26 member 5; minus strand). Cytogenetic location: 7q22.1.
Variant type: single nucleotide variant.
Coding change: c.1150A>C on transcript NM_198999.3 (MANE Select); coding-DNA position 1150, A replaced by C.
Protein change: p.Ile384Leu; replaces isoleucine 384 with leucine.
Molecular consequence: missense variant. On other transcripts: non-coding transcript variant (5), intron variant (1).
Genome position (GRCh38, 1-based): chr7:103,391,705, T>G on the plus strand (A>C on the coding strand, the complement: SLC26A5 is on the minus strand). VCF-style: chr7-103391705-T-G. GRCh37 (hg19) VCF-style: chr7-103032152-T-G.
Other names: c.1150A>C, p.Ile384Leu (NM_001167962.2, NM_001321787.2, NM_206883.3 and 1 more transcripts); c.971+6227A>C (NM_206885.3); c.1150A>C (NM_198999.2); short protein forms I384L.
Identifiers: ClinVar variation 1407227 (VCV001407227.8), dbSNP rs757765693, ClinGen allele CA4419589.